The following is an entry in ClinVar:

NM_000202.8(IDS):c.545T>C (p.Leu182Pro)

Genes: IDS (iduronate 2-sulfatase; minus strand), LOC106050102 (IDS recombination region; plus strand). Cytogenetic location: Xq28.
Variant type: single nucleotide variant.
Coding change: c.545T>C on transcript NM_000202.8 (MANE Select); coding-DNA position 545, T replaced by C.
Protein change: p.Leu182Pro; replaces leucine 182 with proline.
Molecular consequence: missense variant. On other transcripts: non-coding transcript variant (1).
Genome position (GRCh38, 1-based): chrX:149,498,270, A>G on the plus strand (T>C on the coding strand, the complement: IDS is on the minus strand). VCF-style: chrX-149498270-A-G. GRCh37 (hg19) VCF-style: chrX-148579801-A-G.
Other names: c.275T>C, p.Leu92Pro (NM_001166550.4); c.545T>C, p.Leu182Pro (NM_006123.5); short protein forms L182P, L92P.
Identifiers: ClinVar variation 3255764 (VCV003255764.2).

ClinVar aggregate classification (germline): Likely pathogenic (1 of 4 stars; one submission).

Conditions:
Mucopolysaccharidosis, MPS-II (MPS2). Also called: Hunter Syndrome; IDURONATE 2-SULFATASE DEFICIENCY; Mucopolysaccharidosis Type II; Mucopolysaccharidosis type 2; Attenuated MPS (subtype; formerly known as mild MPS II); Severe MPS II. Identifiers: Orphanet 580, Orphanet 79388, MedGen C0026705, MONDO:0010674, OMIM 309900.

Submission:

Laboratory of Diagnosis and Therapy of Lysosomal Disorders, University of Padova
Classification: Likely pathogenic for Mucopolysaccharidosis, MPS-II. Last evaluated: 2024-06-07. Review status: criteria provided, single submitter. Criteria: ACMG Guidelines, 2015. Collection method: literature only. Allele origin: germline. Affected: yes. Observed: 2 variant alleles.
Comment: Absent from controls (or at low frequency) in gnomAD database (PM2_Moderate), Missense variant in a gene with a low rate of benign missense variation (PP2_Supporting), Multiple lines of computational evidence support a deleterious effect (PP3_Supporting), Patient’s phenotype or family history highly specific for the disease (PP4_Strong)

Classification method: ACMG Guidelines [PMID:25741868] with modifications

Literature cited by the submitters: PubMed 9501270; PubMed 33676511.